The following is an entry in ClinVar:

ClinVar aggregate classification (germline): Uncertain significance (1 of 4 stars; one submission).

Submission:

GeneDx
Classification: Uncertain significance. Last evaluated: 2026-02-03. Review status: criteria provided, single submitter. Criteria: GeneDx Variant Classification Process June 2021. Collection method: clinical testing. Allele origin: germline.
Comment: Not observed at significant frequency in large population cohorts (gnomAD); In silico analysis supports a deleterious effect on splicing; Has not been previously published as pathogenic or benign to our knowledge

NM_001024630.4(RUNX2):c.686-7T>G

Gene: RUNX2 (RUNX family transcription factor 2; plus strand). Cytogenetic location: 6p21.1.
Variant type: single nucleotide variant.
Coding change: c.686-7T>G on transcript NM_001024630.4 (MANE Select); 7 bases into the intron before coding-DNA position 686, T replaced by G.
Molecular consequence: intron variant.
Genome position (GRCh38, 1-based): chr6:45,491,934, T>G. VCF-style: chr6-45491934-T-G. GRCh37 (hg19) VCF-style: chr6-45459671-T-G.
Other names: c.686-7T>G (NM_001015051.4); c.644-7T>G (NM_001369405.1, NM_001278478.2).
Identifiers: ClinVar variation 2428800 (VCV002428800.4), dbSNP rs2548635627, ClinGen allele CA2580074680.